The following is an entry in ClinVar:

NM_032043.3(BRIP1):c.1731G>A (p.Lys577=)

Gene: BRIP1 (BRCA1 interacting DNA helicase 1; minus strand). Cytogenetic location: 17q23.2.
Variant type: single nucleotide variant.
Coding change: c.1731G>A on transcript NM_032043.3 (MANE Select); coding-DNA position 1731, G replaced by A.
Protein change: p.Lys577=; no amino-acid change (lysine 577 retained).
Molecular consequence: synonymous variant.
Genome position (GRCh38, 1-based): chr17:61,780,903, C>T on the plus strand (G>A on the coding strand, the complement: BRIP1 is on the minus strand). VCF-style: chr17-61780903-C-T. GRCh37 (hg19) VCF-style: chr17-59858264-C-T.
Identifiers: ClinVar variation 136145 (VCV000136145.21), dbSNP rs587780829, ClinGen allele CA332987.
Genomic context (GRCh38, chr17:61,780,903, plus strand): 5'-AGCTGGATTTAAGCACCAAAAGTTTAGCACATGAACTGCAGTTTTCTGTCGTGAACGTTT[C>T]TTATTTTTTGGTAGAACCAACAACCCATTTTTGTCTGAAATATCAATCTGATTTGTCCAG-3'
Protein context (NP_114432.2, residues 567-587): KNGLLVLPKN[Lys577=]KRSRQKTAVH

ClinVar aggregate classification (germline): Benign/Likely benign. Review status: criteria provided, multiple submitters, no conflicts (2 of 4 stars). 5 submissions from 5 submitters: Benign (1); Likely benign (4). Last evaluated 2024-11-18.

Conditions:
Hereditary cancer-predisposing syndrome. Also called: Tumor predisposition; Hereditary neoplastic syndrome; Neoplastic Syndromes, Hereditary; Hereditary Cancer Syndrome. Identifiers: Orphanet 140162, MedGen C0027672, MeSH D009386, MONDO:0015356.
Familial cancer of breast. Also called: BREAST CANCER, FAMILIAL; Hereditary breast cancer; hereditary breast carcinoma. Identifiers: Orphanet 227535, MedGen C0346153, MONDO:0016419, OMIM 114480. Disease mechanism: loss of function.
Fanconi anemia complementation group J. Also called: BRIP1-Related Fanconi Anemia. Identifiers: Orphanet 84, MedGen C1836860, MONDO:0012187, OMIM 609054.

Allele frequency attached by ClinVar (database versions not stated): gnomAD exomes 0.00001.
gnomAD v4.1: 4 of 1,614,110 alleles (0.00025%); highest among the groups gnomAD compares: Non-Finnish European, 0.00034%; no homozygotes.

Submissions (5):

Labcorp Genetics (formerly Invitae), Labcorp
Classification: Likely benign for Familial cancer of breast; Fanconi anemia complementation group J. Last evaluated: 2024-11-18. Review status: criteria provided, single submitter. Criteria: Invitae Variant Classification Sherloc (09022015). Collection method: clinical testing. Allele origin: germline.

Myriad Genetics, Inc.
Classification: Benign for Familial cancer of breast. Last evaluated: 2024-08-29. Review status: criteria provided, single submitter. Criteria: Myriad Autosomal Dominant, Autosomal Recessive and X-Linked Classification Criteria (2023). Collection method: clinical testing. Allele origin: unknown.
Comment: This variant is considered benign. This variant is a silent/synonymous amino acid change and it is not expected to impact splicing.

Color Diagnostics, LLC DBA Color Health
Classification: Likely benign for Hereditary cancer-predisposing syndrome. Last evaluated: 2018-08-28. Review status: criteria provided, single submitter. Criteria: ACMG Guidelines, 2015. Collection method: clinical testing. Allele origin: germline.

GeneDx
Classification: Likely benign. Last evaluated: 2018-06-18. Review status: criteria provided, single submitter. Criteria: GeneDx Variant Classification Process June 2021. Collection method: clinical testing. Allele origin: germline. Affected: yes.

Ambry Genetics
Classification: Likely benign for Hereditary cancer-predisposing syndrome. Last evaluated: 2016-01-06. Review status: criteria provided, single submitter. Criteria: Ambry Variant Classification Scheme 2023. Collection method: clinical testing. Allele origin: germline.